The following is an entry in ClinVar:

ClinVar aggregate classification (germline): Uncertain significance (1 of 4 stars; one submission).

Conditions:
Primary ciliary dyskinesia. Also called: Ciliary dyskinesia. Identifiers: Orphanet 244, MedGen C0008780, MONDO:0016575, HP:0012265.

Allele frequency attached by ClinVar (database versions not stated): TOPMed below 0.00001; gnomAD 0.00001; ExAC 0.00002.

Submission:

Ambry Genetics
Classification: Uncertain significance for Primary ciliary dyskinesia. Last evaluated: 2023-07-05. Review status: criteria provided, single submitter. Criteria: Ambry Variant Classification Scheme 2023. Collection method: clinical testing. Allele origin: germline.
Comment: The p.M163I variant (also known as c.489G>A), located in coding exon 1 of the DNAAF2 gene, results from a G to A substitution at nucleotide position 489. The methionine at codon 163 is replaced by isoleucine, an amino acid with highly similar properties. This amino acid position is conserved. In addition, this alteration is predicted to be tolerated by in silico analysis. Since supporting evidence is limited at this time, the clinical significance of this alteration remains unclear.

NM_018139.3(DNAAF2):c.489G>A (p.Met163Ile)

Gene: DNAAF2 (dynein axonemal assembly factor 2; minus strand). Cytogenetic location: 14q21.3.
Variant type: single nucleotide variant.
Coding change: c.489G>A on transcript NM_018139.3 (MANE Select); coding-DNA position 489, G replaced by A.
Protein change: p.Met163Ile; replaces methionine 163 with isoleucine.
Molecular consequence: missense variant.
Genome position (GRCh38, 1-based): chr14:49,634,661, C>T on the plus strand (G>A on the coding strand, the complement: DNAAF2 is on the minus strand). VCF-style: chr14-49634661-C-T. GRCh37 (hg19) VCF-style: chr14-50101379-C-T.
Other names: c.489G>A, p.Met163Ile (NM_001083908.2); short protein forms M163I.
Identifiers: ClinVar variation 2625516 (VCV002625516.2), dbSNP rs778406709, ClinGen allele CA7173100.